The following is an entry in ClinVar:

ClinVar aggregate classification (germline): Uncertain significance (1 of 4 stars; one submission).

gnomAD v4.1: 1 of 1,528,092 alleles (0.000065%); highest among the groups gnomAD compares: Non-Finnish European, 0.000088%; no homozygotes.

Submission:

Labcorp Genetics (formerly Invitae), Labcorp
Classification: Uncertain significance. Last evaluated: 2022-05-24. Review status: criteria provided, single submitter. Criteria: Invitae Variant Classification Sherloc (09022015). Collection method: clinical testing. Allele origin: germline.
Comment: This variant has not been reported in the literature in individuals affected with CACNA1E-related conditions. This variant is not present in population databases (gnomAD no frequency). This sequence change replaces arginine, which is basic and polar, with proline, which is neutral and non-polar, at codon 828 of the CACNA1E protein (p.Arg828Pro). Advanced modeling of protein sequence and biophysical properties (such as structural, functional, and spatial information, amino acid conservation, physicochemical variation, residue mobility, and thermodynamic stability) performed at Invitae indicates that this missense variant is not expected to disrupt CACNA1E protein function. In summary, the available evidence is currently insufficient to determine the role of this variant in disease. Therefore, it has been classified as a Variant of Uncertain Significance.

NM_001205293.3(CACNA1E):c.2483G>C (p.Arg828Pro)

Gene: CACNA1E (calcium voltage-gated channel subunit alpha1 E; plus strand). Cytogenetic location: 1q25.3.
Variant type: single nucleotide variant.
Coding change: c.2483G>C on transcript NM_001205293.3 (MANE Select); coding-DNA position 2483, G replaced by C.
Protein change: p.Arg828Pro; replaces arginine 828 with proline.
Molecular consequence: missense variant.
Genome position (GRCh38, 1-based): chr1:181,732,569, G>C. VCF-style: chr1-181732569-G-C. GRCh37 (hg19) VCF-style: chr1-181701705-G-C.
Other names: c.2483G>C, p.Arg828Pro (NM_000721.4); c.2426G>C, p.Arg809Pro (NM_001205294.2); short protein forms R828P, R809P.
Identifiers: ClinVar variation 1998270 (VCV001998270.4), dbSNP rs926850053, ClinGen allele CA33815713.
Genomic context (GRCh38, chr1:181,732,569, plus strand): 5'-TCAACCCCCTCAACCCGCTCAGCTCCCTCAACCCGCTCAATGCCCACCCCAGCCTTTATC[G>C]GCGACCCAGGGCCATTGAGGGCCTGGCCCTGGGCCTGGCCCTGGAGAAGTTCGAGGAGGA-3'
Protein context (NP_001192222.1, residues 818-838): NPLNAHPSLY[Arg828Pro]RPRAIEGLAL